The following is an entry in ClinVar:

ClinVar aggregate classification (germline): Uncertain significance (1 of 4 stars; one submission).

Allele frequency attached by ClinVar (database versions not stated): gnomAD 0.00001; gnomAD exomes 0.00001; TOPMed 0.00001.
gnomAD v4.1: 17 of 1,479,278 alleles (0.0011%); highest among the groups gnomAD compares: African/African-American, 0.0015%; no homozygotes.

Submission:

Laboratory for Molecular Medicine, Mass General Brigham Personalized Medicine
Classification: Uncertain significance. Last evaluated: 2012-02-13. Review status: criteria provided, single submitter. Criteria: LMM Criteria. Collection method: clinical testing. Allele origin: germline. Observed: 1 variant allele.
Comment: Variant classified as Uncertain Significance - Favor Benign. The Arg182Arg varia nt (CFT1) has not been reported in the literature nor previously identified by o ur laboratory. This variant does not alter an amino acid, but computational tool s predict that it may create an alternate 5' splice site. Additional studies are needed to determine if the Arg182Arg variant impacts splicing and to further as sess its clinical significance.

NM_001330.5(CTF1):c.546C>T (p.Arg182=)

Genes: CTF1 (cardiotrophin 1; plus strand), LOC130058878 (ATAC-STARR-seq lymphoblastoid silent region 7400; plus strand). Cytogenetic location: 16p11.2.
Variant type: single nucleotide variant.
Coding change: c.546C>T on transcript NM_001330.5 (MANE Select); coding-DNA position 546, C replaced by T.
Protein change: p.Arg182=; no amino-acid change (arginine 182 retained).
Molecular consequence: synonymous variant. On other transcripts: non-coding transcript variant (1).
Genome position (GRCh38, 1-based): chr16:30,902,479, C>T. VCF-style: chr16-30902479-C-T. GRCh37 (hg19) VCF-style: chr16-30913800-C-T.
Other names: c.543C>T, p.Arg181= (NM_001142544.3).
Identifiers: ClinVar variation 44181 (VCV000044181.4), dbSNP rs397516651, ClinGen allele CA133732.